The following is an entry in ClinVar:

NM_177972.3(TUB):c.1194_1195del (p.Arg398fs)

Genes: RIC3 (RIC3 acetylcholine receptor chaperone; minus strand), TUB (TUB bipartite transcription factor; plus strand). Cytogenetic location: 11p15.4.
Variant type: Microsatellite.
Coding change: c.1194_1195del on transcript NM_177972.3 (MANE Select); coding-DNA positions 1194 to 1195, 2 bases deleted (AG; older notation c.1194_1195delAG).
Protein change: p.Arg398fs; shifts the reading frame from arginine 398.
Molecular consequence: frameshift variant.
Genome position (GRCh38, 1-based): chr11:8,100,580-8,100,581, AG deleted; deleting any 2 consecutive bases within chr11:8,100,575-8,100,581 gives the same sequence; the c. name uses the placement nearest the transcript's 3' end. VCF-style (leftmost placement, unchanged base first): chr11-8100574-TGA-T. GRCh37 (hg19) VCF-style: chr11-8122121-TGA-T.
Other names: c.1359_1360delAG (NM_003320.4); c.1359_1360del, p.Arg453fs (NM_003320.5); c.1194_1195del (NM_177972.2); short protein forms R398fs, R453fs.
Identifiers: ClinVar variation 162490 (VCV000162490.7), dbSNP rs727502810, ClinGen allele CA175082.

ClinVar aggregate classification (germline): Conflicting classifications of pathogenicity. Review status: criteria provided, conflicting classifications (1 of 4 stars). 4 submissions from 4 submitters: Pathogenic (2); Uncertain significance (1). 1 of the submissions does not count toward it. Last evaluated 2025-09-06.

Conditions:
TUB-related disorder. Also called: TUB-related condition.
Retinal dystrophy and obesity (RDOB). Identifiers: Orphanet 791, MedGen C4015424, MONDO:0014522, OMIM 616188.

Submissions (4):

PreventionGenetics, part of Exact Sciences
Classification: Uncertain significance for TUB-related condition. Last evaluated: 2025-09-06. Review status: criteria provided, single submitter. Criteria: ACMG Guidelines, 2015. Collection method: clinical testing. Allele origin: germline.
Comment: The TUB c.1359_1360delAG variant is predicted to result in a frameshift and premature protein termination (p.Arg453Serfs*10). This variant is reported in 0.0031% of alleles in individuals of European (Non-Finnish) descent in gnomAD. Although we suspect that this variant may be pathogenic, at this time, the clinical significance of this variant is uncertain due to the absence of conclusive functional and genetic evidence.

Blueprint Genetics
Classification: Pathogenic for TUB-related disorders. Last evaluated: 2022-11-04. Review status: criteria provided, single submitter. Criteria: ACMG Guidelines, 2015. Collection method: clinical testing. Allele origin: germline. Affected: yes. Observed: 2 variant alleles.

Undiagnosed Diseases Network, NIH
Classification: Pathogenic for Retinal dystrophy and obesity. Last evaluated: 2019-08-26. Review status: criteria provided, single submitter. Criteria: ACMG Guidelines, 2015. Collection method: clinical testing. Allele origin: maternal. Inheritance: Autosomal recessive inheritance. Affected: yes. Observed: 2 variant alleles, 2 compound heterozygotes. Clinical features observed: Rod-cone dystrophy (HP:0000510), Progressive sensorineural hearing impairment (HP:0000408), Premature birth (HP:0001622), Optic neuropathy (HP:0001138), Obesity (HP:0001513), Intellectual disability (HP:0001249), Cataract (HP:0000518).

OMIM
Classification: Pathogenic for RETINAL DYSTROPHY AND OBESITY (1 family). Last evaluated: 2014-03-01. Review status: no assertion criteria provided. Collection method: literature only. Allele origin: germline. Not counted in ClinVar's aggregate classification.

Literature cited by the submitters: PubMed 24375934 (cited by OMIM).